The following is an entry in ClinVar:

NM_001198950.3(MYO16):c.4995C>A (p.Thr1665=)

Gene: MYO16 (myosin XVI; plus strand). Cytogenetic location: 13q33.3.
Variant type: single nucleotide variant.
Coding change: c.4995C>A on transcript NM_001198950.3 (MANE Select); coding-DNA position 4995, C replaced by A.
Protein change: p.Thr1665=; no amino-acid change (threonine 1665 retained).
Molecular consequence: synonymous variant.
Genome position (GRCh38, 1-based): chr13:109,141,207, C>A. VCF-style: chr13-109141207-C-A. GRCh37 (hg19) VCF-style: chr13-109793555-C-A.
Other names: c.4929C>A, p.Thr1643= (NM_015011.3).
Identifiers: ClinVar variation 728477 (VCV000728477.7), dbSNP rs144612088, ClinGen allele CA7045813.

ClinVar aggregate classification (germline): Benign. Review status: criteria provided, multiple submitters, no conflicts (2 of 4 stars). 3 submissions from 3 submitters: Benign (2). 1 of the submissions does not count toward it. Last evaluated 2019-12-31.

Conditions:
MYO16-related disorder. Also called: MYO16-related condition.

Allele frequency attached by ClinVar (database versions not stated): gnomAD exomes 0.00014 and 0.00031; ExAC 0.00034; ESP Exome Variant Server 0.00115; gnomAD 0.00139 and 0.00151; 1000 Genomes Project 30x 0.00156; TOPMed 0.00165; 1000 Genomes Project 0.00180.
gnomAD v4.1: 446 of 1,607,222 alleles (0.028%); highest among the groups gnomAD compares: African/African-American, 0.39%; 3 homozygotes.

Submissions (3):

Labcorp Genetics (formerly Invitae), Labcorp
Classification: Benign. Last evaluated: 2019-12-31. Review status: criteria provided, single submitter. Criteria: Invitae Variant Classification Sherloc (09022015). Collection method: clinical testing. Allele origin: germline.

Breakthrough Genomics
Classification: Benign. Review status: criteria provided, single submitter. Criteria: ACMG Guidelines, 2015. Collection method: not provided. Allele origin: germline. Inheritance: Unknown mechanism. Affected: yes.

PreventionGenetics, part of Exact Sciences
Classification: Likely benign for MYO16-related condition. Last evaluated: 2019-06-11. Review status: no assertion criteria provided. Collection method: clinical testing. Allele origin: germline. Not counted in ClinVar's aggregate classification.
Comment: This variant is classified as likely benign based on ACMG/AMP sequence variant interpretation guidelines (Richards et al. 2015 PMID: 25741868, with internal and published modifications).